The following is an entry in ClinVar:

NM_001458.5(FLNC):c.4128-16G>A

Gene: FLNC (filamin C; plus strand). Cytogenetic location: 7q32.1.
Variant type: single nucleotide variant.
Coding change: c.4128-16G>A on transcript NM_001458.5 (MANE Select); 16 bases into the intron before coding-DNA position 4128, G replaced by A.
Molecular consequence: intron variant.
Genome position (GRCh38, 1-based): chr7:128,846,729, G>A. VCF-style: chr7-128846729-G-A. GRCh37 (hg19) VCF-style: chr7-128486783-G-A.
Other names: c.4128-16G>A (NM_001127487.2).
Identifiers: ClinVar variation 5007156 (VCV005007156.2).

ClinVar aggregate classification (germline): Uncertain significance (1 of 4 stars; one submission).

Conditions:
Hypertrophic cardiomyopathy 26. Also called: Cardiomyopathy, familial hypertrophic, 26. Identifiers: Orphanet 75249, MedGen C4310749, MONDO:0014883, OMIM 617047.
Distal myopathy with posterior leg and anterior hand involvement. Also called: WILLIAMS DISTAL MYOPATHY. Identifiers: Orphanet 63273, MedGen C3279722, MONDO:0013550, OMIM 614065.
Myofibrillar myopathy 5. Also called: Filaminopathy (type); FILAMINOPATHY, AUTOSOMAL DOMINANT. Identifiers: Orphanet 171445, MedGen C1836050, MONDO:0012289, OMIM 609524.

Submission:

Juno Genomics, Hangzhou Juno Genomics, Inc
Classification: Uncertain significance for Myofibrillar myopathy 5; Hypertrophic cardiomyopathy 26; Distal myopathy with posterior leg and anterior hand involvement. Review status: criteria provided, single submitter. Criteria: ACMG Guidelines, 2015. Collection method: clinical testing. Allele origin: germline.
Comment: Absent from controls (or at extremely low frequency if recessive) in Genome Aggregation Database.;Multiple lines of computational evidence support a deleterious effect on the gene or gene product.